The following is an entry in ClinVar:

ClinVar aggregate classification (germline): Pathogenic (1 of 4 stars; one submission).

Conditions:
X-linked Alport syndrome (ATS1). Also called: COL4A5-Related Nephropathy; NEPHROPATHY AND DEAFNESS, X-LINKED. Identifiers: Orphanet 63, Orphanet 88917, MedGen C4746986, MONDO:0010520, OMIM 301050.

Submission:

Victorian Clinical Genetics Services, Murdoch Childrens Research Institute
Classification: Pathogenic for X-linked Alport syndrome. Last evaluated: 2023-07-17. Review status: criteria provided, single submitter. Criteria: ACMG Guidelines, 2015. Collection method: clinical testing. Allele origin: germline. Inheritance: X-linked dominant inheritance. Affected: yes.
Comment: Based on the classification scheme VCGS_Germline_v1.3.4, this variant is classified as Pathogenic. Following criteria are met: 0103 - Dominant negative and loss of function are known mechanisms of disease in this gene and are associated with X-linked Alport syndrome 1 (MIM#301050). Dominant negative is caused mostly by glycine substitutions that affect the conformation of the protein, and loss of function can be caused by either protein truncating or missense variants (PMID: 24046192, 12028435). (I) 0110 - This gene is associated with X-linked dominant disease. Males are typically more severely affected than females (PMID: 19965530). (I) 0115 - Variants in this gene are known to have variable expressivity. There is intrafamilial variability among affected carrier females, possibly due to variable X-inactivation (PMID: 14514738). (I) 0201 - Variant is predicted to cause nonsense-mediated decay (NMD) and loss of protein (premature termination codon is located at least 54 nucleotides upstream of the final exon-exon junction). (SP) 0251 - This variant is heterozygous. (I) 0301 - Variant is absent from gnomAD (both v2 and v3). (SP) 0701 - Other NMD predicted variants comparable to the one identified in this case have very strong previous evidence for pathogenicity (DECIPHER). (SP) 0803 - This variant has limited previous evidence of pathogenicity in an unrelated individual. This variant has been observed in one individual and one family with Alport syndrome (LOVD, PMIDs: 19965530, 31576025). (SP) 1007 - No published functional evidence has been identified for this variant. (I) 1208 - Inheritance information for this variant is not currently available in this individual. (I) Legend: (SP) - Supporting pathogenic, (I) - Information, (SB) - Supporting benign

Literature cited by the submitters: PubMed 12028435; PubMed 14514738; PubMed 19965530; PubMed 24046192; PubMed 31576025.

NM_033380.3(COL4A5):c.4024G>T (p.Gly1342Ter)

Gene: COL4A5 (collagen type IV alpha 5 chain; plus strand). Cytogenetic location: Xq22.3.
Variant type: single nucleotide variant.
Coding change: c.4024G>T on transcript NM_033380.3 (MANE Select); coding-DNA position 4024, G replaced by T.
Protein change: p.Gly1342Ter; replaces glycine 1342 with a stop codon.
Molecular consequence: nonsense.
Genome position (GRCh38, 1-based): chrX:108,680,893, G>T. VCF-style: chrX-108680893-G-T. GRCh37 (hg19) VCF-style: chrX-107924123-G-T.
Other names: c.4006G>T, p.Gly1336Ter (NM_000495.5); c.4024G>T (NM_033380.2); short protein forms G1336*, G1342*.
Identifiers: ClinVar variation 3255174 (VCV003255174.1), dbSNP rs1556453243.